The following is an entry in ClinVar:

ClinVar aggregate classification (germline): Uncertain significance (1 of 4 stars; one submission).

Allele frequency attached by ClinVar (database versions not stated): ExAC 0.00001; gnomAD 0.00001; gnomAD exomes 0.00001; 1000 Genomes Project 30x 0.00016; 1000 Genomes Project 0.00020.
gnomAD v4.1: 8 of 1,613,816 alleles (0.0005%); highest among the groups gnomAD compares: East Asian, 0.0022%; no homozygotes.

Submission:

Labcorp Genetics (formerly Invitae), Labcorp
Classification: Uncertain significance. Last evaluated: 2024-10-29. Review status: criteria provided, single submitter. Criteria: Invitae Variant Classification Sherloc (09022015). Collection method: clinical testing. Allele origin: germline.
Comment: This sequence change replaces threonine, which is neutral and polar, with alanine, which is neutral and non-polar, at codon 185 of the C2CD3 protein (p.Thr185Ala). This variant is present in population databases (rs553137509, gnomAD 0.006%). This variant has not been reported in the literature in individuals affected with C2CD3-related conditions. ClinVar contains an entry for this variant (Variation ID: 1920236). Invitae Evidence Modeling of protein sequence and biophysical properties (such as structural, functional, and spatial information, amino acid conservation, physicochemical variation, residue mobility, and thermodynamic stability) indicates that this missense variant is expected to disrupt C2CD3 protein function with a positive predictive value of 80%. In summary, the available evidence is currently insufficient to determine the role of this variant in disease. Therefore, it has been classified as a Variant of Uncertain Significance.

NM_001286577.2(C2CD3):c.553A>G (p.Thr185Ala)

Gene: C2CD3 (C2 domain containing 3 centriole elongation regulator; minus strand). Cytogenetic location: 11q13.4.
Variant type: single nucleotide variant.
Coding change: c.553A>G on transcript NM_001286577.2 (MANE Select); coding-DNA position 553, A replaced by G.
Protein change: p.Thr185Ala; replaces threonine 185 with alanine.
Molecular consequence: missense variant.
Genome position (GRCh38, 1-based): chr11:74,139,759, T>C on the plus strand (A>G on the coding strand, the complement: C2CD3 is on the minus strand). VCF-style: chr11-74139759-T-C. GRCh37 (hg19) VCF-style: chr11-73850804-T-C.
Other names: c.553A>G, p.Thr185Ala (NM_015531.6); short protein forms T185A.
Identifiers: ClinVar variation 1920236 (VCV001920236.5), dbSNP rs553137509, ClinGen allele CA6183190.